The following is an entry in ClinVar:

ClinVar aggregate classification (germline): Likely pathogenic (1 of 4 stars; one submission).

Submission:

Dasa
Classification: Likely pathogenic. Last evaluated: 2025-11-08. Review status: criteria provided, single submitter. Criteria: DASA Assertion Criteria. Collection method: clinical testing. Allele origin: germline.
Comment: NM_013975.4(LIG3):c.1894G>T (p.Glu632*) is a nonsense variant in LIG3 predicted to introduce a premature termination codon and is predicted to result in an absent or altered protein product. Loss of function is an established disease mechanism for LIG3-associated disorders. Also, this variant is rare in population databases. Based on the currently available evidence, this variant is classified as likely pathogenic.

NM_013975.4(LIG3):c.1894G>T (p.Glu632Ter)

Gene: LIG3 (DNA ligase 3; plus strand). Cytogenetic location: 17q12.
Variant type: single nucleotide variant.
Coding change: c.1894G>T on transcript NM_013975.4 (MANE Select); coding-DNA position 1894, G replaced by T.
Protein change: p.Glu632Ter; replaces glutamic acid 632 with a stop codon.
Molecular consequence: nonsense.
Genome position (GRCh38, 1-based): chr17:34,997,808, G>T. VCF-style: chr17-34997808-G-T. GRCh37 (hg19) VCF-style: chr17-33324827-G-T.
Other names: c.1894G>T, p.Glu632Ter (NM_002311.5); short protein forms E632*.
Identifiers: ClinVar variation 4884180 (VCV004884180.2).